The following is an entry in ClinVar:

ClinVar aggregate classification (germline): Pathogenic/Likely pathogenic. Review status: criteria provided, multiple submitters, no conflicts (2 of 4 stars). 3 submissions from 3 submitters: Pathogenic (1); Likely pathogenic (2). Last evaluated 2025-12-09.

Conditions:
Polycystic kidney disease 4 (PKD4). Also called: POLYCYSTIC KIDNEY DISEASE 4 WITH OR WITHOUT POLYCYSTIC LIVER DISEASE; PKD3; Autosomal Recessive Polycystic Kidney Disease – PKHD1; POLYCYSTIC KIDNEY AND HEPATIC DISEASE 1; POLYCYSTIC KIDNEY DISEASE, INFANTILE, TYPE I. Identifiers: MedGen C4540575, MONDO:0033004, OMIM 263200.
Autosomal recessive polycystic kidney disease (ARPKD). Also called: AR polycystic kidney disease. Identifiers: Orphanet 731, Orphanet 8378, MedGen C0085548, MeSH D017044, MONDO:0009889.

Allele frequency attached by ClinVar (database versions not stated): gnomAD exomes below 0.00001; gnomAD 0.00001.
gnomAD v4.1: 4 of 1,613,270 alleles (0.00025%); highest among the groups gnomAD compares: Non-Finnish European, 0.00034%; no homozygotes.

Submissions (3):

Natera, Inc.
Classification: Likely pathogenic for Autosomal recessive polycystic kidney disease. Last evaluated: 2025-12-09. Review status: criteria provided, single submitter. Criteria: Natera Variant Classification Schema (03/2026). Collection method: clinical testing. Allele origin: germline.
Comment: The c.5767C>T variant in PKHD1 is a nonsense variant predicted to introduce a stop codon at amino acid 1923. This variant is expected to result in nonsense mediated decay, truncation, or a dysfunctional protein product. This variant is rare in the general population with a frequency below the threshold expected for the associated phenotype(s). Given the available evidence, this variant is classified as Likely Pathogenic.

Fulgent Genetics
Classification: Likely pathogenic for Polycystic kidney disease 4. Last evaluated: 2021-10-02. Review status: criteria provided, single submitter. Criteria: ACMG Guidelines, 2015. Collection method: clinical testing. Allele origin: unknown.

Labcorp Genetics (formerly Invitae), Labcorp
Classification: Pathogenic for Autosomal recessive polycystic kidney disease. Last evaluated: 2019-12-15. Review status: criteria provided, single submitter. Criteria: Invitae Variant Classification Sherloc (09022015). Collection method: clinical testing. Allele origin: germline.
Comment: For these reasons, this variant has been classified as Pathogenic. Loss-of-function variants in PKHD1 are known to be pathogenic (PMID: 19940839). This variant has not been reported in the literature in individuals with PKHD1-related conditions. This variant is not present in population databases (ExAC no frequency). This sequence change creates a premature translational stop signal (p.Gln1923*) in the PKHD1 gene. It is expected to result in an absent or disrupted protein product.

Literature cited by the submitters: PubMed 19940839 (cited by Labcorp Genetics (formerly Invitae), Labcorp).

NM_138694.4(PKHD1):c.5767C>T (p.Gln1923Ter)

Gene: PKHD1 (PKHD1 ciliary IPT domain containing fibrocystin/polyductin; minus strand). Cytogenetic location: 6p12.2.
Variant type: single nucleotide variant.
Coding change: c.5767C>T on transcript NM_138694.4 (MANE Select); coding-DNA position 5767, C replaced by T.
Protein change: p.Gln1923Ter; replaces glutamine 1923 with a stop codon.
Molecular consequence: nonsense.
Genome position (GRCh38, 1-based): chr6:51,960,011, G>A on the plus strand (C>T on the coding strand, the complement: PKHD1 is on the minus strand). VCF-style: chr6-51960011-G-A. GRCh37 (hg19) VCF-style: chr6-51824809-G-A.
Other names: c.5767C>T, p.Gln1923Ter (NM_170724.3); short protein forms Q1923*.
Identifiers: ClinVar variation 835281 (VCV000835281.11), dbSNP rs1313206550, ClinGen allele CA364421795.